The following is an entry in ClinVar:

ClinVar aggregate classification (germline): Uncertain significance (1 of 4 stars; one submission).

Conditions:
Peroxisome biogenesis disorder. Identifiers: Orphanet 79189, MedGen C1832200, MONDO:0019234. Disease mechanism: loss of function.

Allele frequency attached by ClinVar (database versions not stated): gnomAD exomes below 0.00001; ExAC 0.00001; gnomAD 0.00001; 1000 Genomes Project 30x 0.00016; 1000 Genomes Project 0.00020.
gnomAD v4.1: 1 of 1,614,120 alleles (0.000062%); highest among the groups gnomAD compares: Non-Finnish European, 0.000085%; no homozygotes.

Submission:

Labcorp Genetics (formerly Invitae), Labcorp
Classification: Uncertain significance for Peroxisome biogenesis disorder. Last evaluated: 2022-02-25. Review status: criteria provided, single submitter. Criteria: Invitae Variant Classification Sherloc (09022015). Collection method: clinical testing. Allele origin: germline.
Comment: In summary, the available evidence is currently insufficient to determine the role of this variant in disease. Therefore, it has been classified as a Variant of Uncertain Significance. Algorithms developed to predict the effect of missense changes on protein structure and function (SIFT, PolyPhen-2, Align-GVGD) all suggest that this variant is likely to be tolerated. ClinVar contains an entry for this variant (Variation ID: 960883). This variant has not been reported in the literature in individuals affected with PEX6-related conditions. This variant is present in population databases (rs566310924, gnomAD 0.0009%). This sequence change replaces methionine, which is neutral and non-polar, with threonine, which is neutral and polar, at codon 411 of the PEX6 protein (p.Met411Thr).

NM_000287.4(PEX6):c.1232T>C (p.Met411Thr)

Gene: PEX6 (peroxisomal biogenesis factor 6; minus strand). Cytogenetic location: 6p21.1.
Variant type: single nucleotide variant.
Coding change: c.1232T>C on transcript NM_000287.4 (MANE Select); coding-DNA position 1232, T replaced by C.
Protein change: p.Met411Thr; replaces methionine 411 with threonine.
Molecular consequence: missense variant. On other transcripts: non-coding transcript variant (1).
Genome position (GRCh38, 1-based): chr6:42,969,886, A>G on the plus strand (T>C on the coding strand, the complement: PEX6 is on the minus strand). VCF-style: chr6-42969886-A-G. GRCh37 (hg19) VCF-style: chr6-42937624-A-G.
Other names: c.968T>C, p.Met323Thr (NM_001316313.2); short protein forms M411T, M323T.
Identifiers: ClinVar variation 960883 (VCV000960883.7), dbSNP rs566310924, ClinGen allele CA3811408.